The following is an entry in ClinVar:

NM_000492.4(CFTR):c.3473G>A (p.Arg1158Gln)

Genes: CFTR (CF transmembrane conductance regulator; plus strand), CFTR-AS2 (CFTR antisense RNA 2; minus strand). Cytogenetic location: 7q31.2.
Variant type: single nucleotide variant.
Coding change: c.3473G>A on transcript NM_000492.4 (MANE Select); coding-DNA position 3473, G replaced by A.
Protein change: p.Arg1158Gln; replaces arginine 1158 with glutamine.
Molecular consequence: missense variant.
Genome position (GRCh38, 1-based): chr7:117,627,526, G>A. VCF-style: chr7-117627526-G-A. GRCh37 (hg19) VCF-style: chr7-117267580-G-A.
Other names: short protein forms R1158Q.
Identifiers: ClinVar variation 661254 (VCV000661254.14), dbSNP rs763401376, ClinGen allele CA4451483.

ClinVar aggregate classification (germline): Uncertain significance. Review status: criteria provided, multiple submitters, no conflicts (2 of 4 stars). 4 submissions from 4 submitters: Uncertain significance (3). 1 of the submissions does not count toward it. Last evaluated 2026-05-11.

Conditions:
Cystic fibrosis (CF). Also called: MUCOVISCIDOSIS. Identifiers: Orphanet 586, MedGen C0010674, MONDO:0009061, OMIM 219700. Disease mechanism: loss of function.

Allele frequency attached by ClinVar (database versions not stated): gnomAD 0.00001; gnomAD exomes below 0.00001; ExAC 0.00001; TOPMed 0.00001.
gnomAD v4.1: 6 of 1,612,890 alleles (0.00037%); highest among the groups gnomAD compares: Non-Finnish European, 0.00051%; no homozygotes.

Submissions (4):

Women's Health and Genetics/Laboratory Corporation of America, LabCorp
Classification: Uncertain significance. Last evaluated: 2026-05-11. Review status: criteria provided, single submitter. Criteria: LabCorp Variant Classification Summary - May 2015. Collection method: clinical testing. Allele origin: germline.
Comment: Variant summary: CFTR c.3473G>A (p.Arg1158Gln) results in a conservative amino acid change in the encoded protein sequence. Algorithms developed to predict the effect of missense changes on protein structure and function are either unavailable or do not agree on the potential impact of this missense change. The variant allele was found at a frequency of 4e-06 in 250524 control chromosomes. The available data on variant occurrences in the general population are insufficient to allow any conclusion about variant significance. c.3473G>A has been observed in an individual affected with Cystic Fibrosis with a non-informative genotype (example: Zeiger_2020). This report does not provide unequivocal conclusions about association of the variant with Cystic Fibrosis. To our knowledge, no experimental evidence demonstrating an impact on protein function has been reported. The following publication has been ascertained in the context of this evaluation (PMID: 31665830). ClinVar contains an entry for this variant (Variation ID: 661254). Based on the evidence outlined above, the variant was classified as uncertain significance.

Ambry Genetics
Classification: Uncertain significance for Cystic fibrosis. Last evaluated: 2024-08-05. Review status: criteria provided, single submitter. Criteria: Ambry Variant Classification Scheme 2023. Collection method: clinical testing. Allele origin: germline.
Comment: The p.R1158Q variant (also known as c.3473G>A), located in coding exon 22 of the CFTR gene, results from a G to A substitution at nucleotide position 3473. The arginine at codon 1158 is replaced by glutamine, an amino acid with highly similar properties. This alteration was identified in an individual with a clinical diagnosis of cystic fibrosis however a second CFTR alteration was not documented (Zeiger AM et al. Pediatr Pulmonol, 2020 Feb;55:533-540). This amino acid position is highly conserved in available vertebrate species. In addition, this alteration is predicted to be deleterious by in silico analysis. Based on the available evidence, the clinical significance of this variant remains unclear.

Labcorp Genetics (formerly Invitae), Labcorp
Classification: Uncertain significance for Cystic fibrosis. Last evaluated: 2022-02-05. Review status: criteria provided, single submitter. Criteria: Invitae Variant Classification Sherloc (09022015). Collection method: clinical testing. Allele origin: germline.
Comment: This sequence change replaces arginine, which is basic and polar, with glutamine, which is neutral and polar, at codon 1158 of the CFTR protein (p.Arg1158Gln). This variant is present in population databases (rs763401376, gnomAD 0.002%). This variant has not been reported in the literature in individuals affected with CFTR-related conditions. ClinVar contains an entry for this variant (Variation ID: 661254). Algorithms developed to predict the effect of missense changes on protein structure and function are either unavailable or do not agree on the potential impact of this missense change (SIFT: "Tolerated"; PolyPhen-2: "Possibly Damaging"; Align-GVGD: "Class C0"). In summary, the available evidence is currently insufficient to determine the role of this variant in disease. Therefore, it has been classified as a Variant of Uncertain Significance.

Natera, Inc.
Classification: Uncertain significance for Cystic Fibrosis. Last evaluated: 2020-09-16. Review status: no assertion criteria provided. Collection method: clinical testing. Allele origin: germline. Not counted in ClinVar's aggregate classification.

Literature cited by the submitters: PubMed 31665830 (cited by Women's Health and Genetics/Laboratory Corporation of America, LabCorp and Ambry Genetics).